The following is an entry in ClinVar:

ClinVar aggregate classification (germline): Uncertain significance. Review status: criteria provided, multiple submitters, no conflicts (2 of 4 stars). 2 submissions from 2 submitters: Uncertain significance (2). Last evaluated 2025-01-10.

Conditions:
Melnick-Fraser syndrome (BOR). Also called: Branchiootorenal Syndrome (BORS); Branchio-oto-renal syndrome; Branchiootorenal syndrome. Identifiers: Orphanet 107, MedGen C0265234, MONDO:0007029.
Inborn genetic diseases. Identifiers: MedGen C0950123, MeSH D030342.

gnomAD v4.1: 15 of 1,613,798 alleles (0.00093%); highest among the groups gnomAD compares: Non-Finnish European, 0.0013%; no homozygotes.

Submissions (2):

Ambry Genetics
Classification: Uncertain significance for Inborn genetic diseases. Last evaluated: 2025-01-10. Review status: criteria provided, single submitter. Criteria: Ambry Variant Classification Scheme 2023. Collection method: clinical testing. Allele origin: germline.

Labcorp Genetics (formerly Invitae), Labcorp
Classification: Uncertain significance for Melnick-Fraser syndrome. Last evaluated: 2024-06-17. Review status: criteria provided, single submitter. Criteria: Invitae Variant Classification Sherloc (09022015). Collection method: clinical testing. Allele origin: germline.
Comment: This sequence change replaces valine, which is neutral and non-polar, with alanine, which is neutral and non-polar, at codon 390 of the EYA1 protein (p.Val390Ala). This variant is present in population databases (rs762034700, gnomAD 0.0009%). This variant has not been reported in the literature in individuals affected with EYA1-related conditions. Advanced modeling of protein sequence and biophysical properties (such as structural, functional, and spatial information, amino acid conservation, physicochemical variation, residue mobility, and thermodynamic stability) has been performed at Invitae for this missense variant, however the output from this modeling did not meet the statistical confidence thresholds required to predict the impact of this variant on EYA1 protein function. In summary, the available evidence is currently insufficient to determine the role of this variant in disease. Therefore, it has been classified as a Variant of Uncertain Significance.

NM_000503.6(EYA1):c.1169T>C (p.Val390Ala)

Gene: EYA1 (EYA transcriptional coactivator and phosphatase 1; minus strand). Cytogenetic location: 8q13.3.
Variant type: single nucleotide variant.
Coding change: c.1169T>C on transcript NM_000503.6 (MANE Select); coding-DNA position 1169, T replaced by C.
Protein change: p.Val390Ala; replaces valine 390 with alanine.
Molecular consequence: missense variant.
Genome position (GRCh38, 1-based): chr8:71,216,995, A>G on the plus strand (T>C on the coding strand, the complement: EYA1 is on the minus strand). VCF-style: chr8-71216995-A-G. GRCh37 (hg19) VCF-style: chr8-72129230-A-G.
Other names: c.1151T>C, p.Val384Ala (NM_001288574.2, NM_172059.5); c.803T>C, p.Val268Ala (NM_001288575.2); c.1256T>C, p.Val419Ala (NM_001370333.1); c.1169T>C, p.Val390Ala (NM_001370334.1, NM_001370335.1, NM_172058.4); c.1148T>C, p.Val383Ala (NM_001370336.1); c.1070T>C, p.Val357Ala (NM_001411797.1, NM_172060.4); c.1169T>C (NM_000503.4); short protein forms V384A, V419A, V390A, V268A, V357A, V383A.
Identifiers: ClinVar variation 2918831 (VCV002918831.4), dbSNP rs762034700, ClinGen allele CA4779542.
Genomic context (GRCh38, chr8:71,216,995, plus strand): 5'-GATGGTCACTTCACATTCAAGGGTGCTCACCTTAGGTCCTGTCCGTTATCATCTGAAGAA[A>G]CATCATCTATATGGACTTGGTCACATTCCTAAAATGCAATTAAAATGATACATGTCAATT-3'
Protein context (NP_000494.2, residues 380-400): EECDQVHIDD[Val390Ala]SSDDNGQDLS